The following is an entry in ClinVar:

ClinVar aggregate classification (germline): Likely benign. Review status: criteria provided, multiple submitters, no conflicts (2 of 4 stars). 2 submissions from 2 submitters: Likely benign (2). Last evaluated 2025-07-09.

Conditions:
Pheochromocytoma/paraganglioma syndrome 4. Also called: CAROTID BODY TUMORS AND MULTIPLE EXTRAADRENAL PHEOCHROMOCYTOMAS; PARAGANGLIOMA, FAMILIAL MALIGNANT; PARAGANGLIOMAS, HEREDITARY EXTRAADRENAL; PHEOCHROMOCYTOMA, FAMILIAL EXTRAADRENAL; Paragangliomas 4; SDHB-Related Hereditary Paraganglioma-Pheochromocytoma Syndrome (Paragangliomas 4). Identifiers: Orphanet 29072, MedGen C1861848, MONDO:0007273, OMIM 115310.
Pheochromocytoma. Also called: MAX-Related Hereditary Paraganglioma-Pheochromocytoma Syndrome. Identifiers: Orphanet 29072, MedGen C0031511, MONDO:0008233, OMIM 171300, HP:0002666.
Gastrointestinal stromal tumor. Also called: Gastrointestinal stromal tumor, somatic; Gastrointestinal stroma tumor. Identifiers: Orphanet 44890, MedGen C0238198, MeSH D046152, MONDO:0011719, OMIM 606764, HP:0100723.

Submissions (2):

Labcorp Genetics (formerly Invitae), Labcorp
Classification: Likely benign for Gastrointestinal stromal tumor; Pheochromocytoma/paraganglioma syndrome 4; Pheochromocytoma. Last evaluated: 2025-07-09. Review status: criteria provided, single submitter. Criteria: Invitae Variant Classification Sherloc (09022015). Collection method: clinical testing. Allele origin: germline.

Myriad Genetics, Inc.
Classification: Likely benign for Pheochromocytoma/paraganglioma syndrome 4. Last evaluated: 2025-03-12. Review status: criteria provided, single submitter. Criteria: Myriad Autosomal Dominant, Autosomal Recessive and X-Linked Classification Criteria (2023). Collection method: clinical testing. Allele origin: unknown.
Comment: This variant is considered likely benign. This variant is intronic and is not expected to impact mRNA splicing.

NM_003000.3(SDHB):c.72+9T>C

Genes: SDHB (succinate dehydrogenase complex iron sulfur subunit B; minus strand), LOC129929542 (ATAC-STARR-seq lymphoblastoid active region 277; plus strand). Cytogenetic location: 1p36.13.
Variant type: single nucleotide variant.
Coding change: c.72+9T>C on transcript NM_003000.3 (MANE Select); 9 bases into the intron after coding-DNA position 72, T replaced by C.
Molecular consequence: intron variant.
Genome position (GRCh38, 1-based): chr1:17,053,939, A>G on the plus strand (T>C on the coding strand, the complement: SDHB is on the minus strand). VCF-style: chr1-17053939-A-G. GRCh37 (hg19) VCF-style: chr1-17380434-A-G.
Other names: c.72+9T>C (NM_001407361.1).
Identifiers: ClinVar variation 3904597 (VCV003904597.2).